The following is an entry in ClinVar:

ClinVar aggregate classification (germline): Conflicting classifications of pathogenicity. Review status: criteria provided, conflicting classifications (1 of 4 stars). 4 submissions from 4 submitters: Uncertain significance (1); Likely benign (3). Last evaluated 2025-01-01.

Conditions:
Congenital contractural arachnodactyly (CCA). Also called: BEALS SYNDROME; Beals-Hecht syndrome; Arthrogryposis, distal, type 9. Identifiers: Orphanet 115, MedGen C0220668, MONDO:0007363, OMIM 121050.
Familial thoracic aortic aneurysm and aortic dissection (TAAD). Also called: Thoracic aortic aneurysms and dissections. Identifiers: Orphanet 91387, MedGen C4707243, MONDO:0019625.

Allele frequency attached by ClinVar (database versions not stated): gnomAD exomes below 0.00001 and 0.00001; TOPMed below 0.00001; ExAC 0.00001; gnomAD 0.00001.
gnomAD v4.1: 14 of 1,613,764 alleles (0.00087%); highest among the groups gnomAD compares: Non-Finnish European, 0.0011%; no homozygotes.

Submissions (4):

Labcorp Genetics (formerly Invitae), Labcorp
Classification: Likely benign for Congenital contractural arachnodactyly. Last evaluated: 2025-01-01. Review status: criteria provided, single submitter. Criteria: Invitae Variant Classification Sherloc (09022015). Collection method: clinical testing. Allele origin: germline.

Ambry Genetics
Classification: Likely benign for Familial thoracic aortic aneurysm and aortic dissection. Last evaluated: 2022-08-03. Review status: criteria provided, single submitter. Criteria: Ambry Variant Classification Scheme 2023. Collection method: clinical testing. Allele origin: germline.

Eurofins Ntd Llc (ga)
Classification: Uncertain significance. Last evaluated: 2017-01-10. Review status: criteria provided, single submitter. Criteria: EGL Classification Definitions 2015. Collection method: clinical testing. Allele origin: germline. Observed: 1 variant allele, 1 heterozygote.

GeneDx
Classification: Likely benign. Last evaluated: 2016-12-05. Review status: criteria provided, single submitter. Criteria: GeneDx Variant Classification (06012015). Collection method: clinical testing. Allele origin: germline. Affected: yes.
Comment: This variant is considered likely benign or benign based on one or more of the following criteria: it is a conservative change, it occurs at a poorly conserved position in the protein, it is predicted to be benign by multiple in silico algorithms, and/or has population frequency not consistent with disease.

NM_001999.4(FBN2):c.2013G>A (p.Gly671=)

Gene: FBN2 (fibrillin 2; minus strand). Cytogenetic location: 5q23.3.
Variant type: single nucleotide variant.
Coding change: c.2013G>A on transcript NM_001999.4 (MANE Select); coding-DNA position 2013, G replaced by A.
Protein change: p.Gly671=; no amino-acid change (glycine 671 retained).
Molecular consequence: synonymous variant.
Genome position (GRCh38, 1-based): chr5:128,374,710, C>T on the plus strand (G>A on the coding strand, the complement: FBN2 is on the minus strand). VCF-style: chr5-128374710-C-T. GRCh37 (hg19) VCF-style: chr5-127710403-C-T.
Identifiers: ClinVar variation 391264 (VCV000391264.15), dbSNP rs778762668, ClinGen allele CA3395673.
Genomic context (GRCh38, chr5:128,374,710, plus strand): 5'-GCCCACAGCCAGGCCTGGGGGACAGTCACAGCGGAAGGACCCTTCACTGTTGATGCAGTG[C>T]CCATTCATGCAGATTCCTGGGGTCTGGCATTCATCAACATCTGTGCAGTGGGTGACAGAA-3'
Protein context (NP_001990.2, residues 661-681): ECQTPGICMN[Gly671=]HCINSEGSFR